The following is an entry in ClinVar:

ClinVar aggregate classification (germline): Uncertain significance. Review status: criteria provided, multiple submitters, no conflicts (2 of 4 stars). 2 submissions from 2 submitters: Uncertain significance (2). Last evaluated 2025-02-28.

Allele frequency attached by ClinVar (database versions not stated): gnomAD exomes below 0.00001; TOPMed below 0.00001; gnomAD 0.00001.
gnomAD v4.1: 2 of 1,209,540 alleles (0.00017%); highest among the groups gnomAD compares: East Asian, 0.0059%; no homozygotes.

Submissions (2):

Ambry Genetics
Classification: Uncertain significance. Last evaluated: 2025-02-28. Review status: criteria provided, single submitter. Criteria: Ambry Variant Classification Scheme 2023. Collection method: clinical testing. Allele origin: germline.

Labcorp Genetics (formerly Invitae), Labcorp
Classification: Uncertain significance. Last evaluated: 2023-06-07. Review status: criteria provided, single submitter. Criteria: Invitae Variant Classification Sherloc (09022015). Collection method: clinical testing. Allele origin: germline.
Comment: This sequence change replaces glutamic acid, which is acidic and polar, with glutamine, which is neutral and polar, at codon 308 of the SH3KBP1 protein (p.Glu308Gln). This variant is not present in population databases (gnomAD no frequency). This variant has not been reported in the literature in individuals affected with SH3KBP1-related conditions. Advanced modeling of protein sequence and biophysical properties (such as structural, functional, and spatial information, amino acid conservation, physicochemical variation, residue mobility, and thermodynamic stability) performed at Invitae indicates that this missense variant is not expected to disrupt SH3KBP1 protein function. In summary, the available evidence is currently insufficient to determine the role of this variant in disease. Therefore, it has been classified as a Variant of Uncertain Significance.

NM_031892.3(SH3KBP1):c.922G>C (p.Glu308Gln)

Gene: SH3KBP1 (SH3 domain containing kinase binding protein 1; minus strand). Cytogenetic location: Xp22.12.
Variant type: single nucleotide variant.
Coding change: c.922G>C on transcript NM_031892.3 (MANE Select); coding-DNA position 922, G replaced by C.
Protein change: p.Glu308Gln; replaces glutamic acid 308 with glutamine.
Molecular consequence: missense variant.
Genome position (GRCh38, 1-based): chrX:19,608,021, C>G on the plus strand (G>C on the coding strand, the complement: SH3KBP1 is on the minus strand). VCF-style: chrX-19608021-C-G. GRCh37 (hg19) VCF-style: chrX-19626139-C-G.
Other names: c.811G>C, p.Glu271Gln (NM_001024666.3); c.208G>C, p.Glu70Gln (NM_001184960.2, NM_001353897.2); c.922G>C, p.Glu308Gln (NM_001353890.2); c.997G>C, p.Glu333Gln (NM_001353891.2, NM_001353892.2); c.820G>C, p.Glu274Gln (NM_001353893.2, NM_001353894.2); c.877G>C, p.Glu293Gln (NM_001353895.2); c.1054G>C, p.Glu352Gln (NM_001410756.1, NM_001410757.1); c.745G>C, p.Glu249Gln (NM_001410758.1); and 1 more; short protein forms E293Q, E70Q, E352Q, E274Q, E333Q, E249Q, E271Q, E308Q.
Identifiers: ClinVar variation 2879471 (VCV002879471.4), dbSNP rs1418387591, ClinGen allele CA412495500.